The following is an entry in ClinVar:

NM_006230.4(POLD2):c.861C>T (p.Ser287=)

Gene: POLD2 (DNA polymerase delta 2, accessory subunit; minus strand). Cytogenetic location: 7p13.
Variant type: single nucleotide variant.
Coding change: c.861C>T on transcript NM_006230.4 (MANE Select); coding-DNA position 861, C replaced by T.
Protein change: p.Ser287=; no amino-acid change (serine 287 retained).
Molecular consequence: synonymous variant.
Genome position (GRCh38, 1-based): chr7:44,116,430, G>A on the plus strand (C>T on the coding strand, the complement: POLD2 is on the minus strand). VCF-style: chr7-44116430-G-A. GRCh37 (hg19) VCF-style: chr7-44156029-G-A.
Other names: c.861C>T, p.Ser287= (NM_001127218.3, NM_001256879.2).
Identifiers: ClinVar variation 2172882 (VCV002172882.4), dbSNP rs531052098, ClinGen allele CA4238712.

ClinVar aggregate classification (germline): Uncertain significance (1 of 4 stars; one submission).

Allele frequency attached by ClinVar (database versions not stated): gnomAD 0.00001; gnomAD exomes 0.00001; TOPMed 0.00003; ExAC 0.00006; 1000 Genomes Project 30x 0.00016; 1000 Genomes Project 0.00020.

Submission:

Labcorp Genetics (formerly Invitae), Labcorp
Classification: Uncertain significance. Last evaluated: 2025-08-06. Review status: criteria provided, single submitter. Criteria: Invitae Variant Classification Sherloc (09022015). Collection method: clinical testing. Allele origin: germline.
Comment: This sequence change affects codon 322 of the POLD2 mRNA. It is a 'silent' change, meaning that it does not change the encoded amino acid sequence of the POLD2 protein. It affects a nucleotide within the consensus splice site. The frequency data for this variant in the population databases is considered unreliable, as metrics indicate poor data quality at this position in the gnomAD database. This variant has not been reported in the literature in individuals affected with POLD2-related conditions. ClinVar contains an entry for this variant (Variation ID: 2172882). Algorithms developed to predict the effect of sequence changes on RNA splicing suggest that this variant is not likely to affect RNA splicing. In summary, the available evidence is currently insufficient to determine the role of this variant in disease. Therefore, it has been classified as a Variant of Uncertain Significance.